The following is an entry in ClinVar:

ClinVar aggregate classification (germline): Likely pathogenic. Review status: criteria provided, multiple submitters, no conflicts (2 of 4 stars). 2 submissions from 2 submitters: Likely pathogenic (2). Last evaluated 2025-08-21.

Conditions:
Tuberous sclerosis 2 (TSC2). Identifiers: Orphanet 805, MedGen C1860707, MONDO:0013199, OMIM 613254.

Submissions (2):

Quest Diagnostics Nichols Institute San Juan Capistrano
Classification: Likely pathogenic. Last evaluated: 2025-08-21. Review status: criteria provided, single submitter. Criteria: Quest Diagnostics criteria. Collection method: clinical testing. Allele origin: unknown.
Comment: The TSC2 c.3239T>G (p.Leu1080*) variant has been reported in the published literature in a rare disease cohort (PMID: 37728764 (2023)). The frequency of this variant in the general population (Genome Aggregation Database) is uninformative in the assessment of its pathogenicity. Based on the available information, this variant is classified as likely pathogenic.

3billion
Classification: Likely pathogenic for Tuberous sclerosis 2. Last evaluated: 2023-11-20. Review status: criteria provided, single submitter. Criteria: ACMG Guidelines, 2015. Collection method: clinical testing. Allele origin: germline. Affected: yes.
Comment: The variant is not observed in the gnomAD v2.1.1 dataset. Predicted Consequence/Location: Stop-gained (nonsense): predicted to result in a loss or disruption of normal protein function through nonsense-mediated decay (NMD) or protein truncation. Multiple pathogenic variants are reported downstream of the variant. Therefore, this variant is classified as Likely pathogenic according to the recommendation of ACMG/AMP guideline.

NM_000548.5(TSC2):c.3239T>G (p.Leu1080Ter)

Gene: TSC2 (TSC complex subunit 2; plus strand). Cytogenetic location: 16p13.3.
Variant type: single nucleotide variant.
Coding change: c.3239T>G on transcript NM_000548.5 (MANE Select); coding-DNA position 3239, T replaced by G.
Protein change: p.Leu1080Ter; replaces leucine 1080 with a stop codon.
Molecular consequence: nonsense. On other transcripts: non-coding transcript variant (5).
Genome position (GRCh38, 1-based): chr16:2,079,383, T>G. VCF-style: chr16-2079383-T-G. GRCh37 (hg19) VCF-style: chr16-2129384-T-G.
Other names: c.3107T>G, p.Leu1036Ter (NM_001077183.3, NM_001370404.1, NM_001406665.1); c.3239T>G, p.Leu1080Ter (NM_001114382.3); c.2999T>G, p.Leu1000Ter (NM_001318827.2); c.2963T>G, p.Leu988Ter (NM_001318829.2); c.2507T>G, p.Leu836Ter (NM_001318831.2, NM_001406687.1, NM_001406688.1); c.3140T>G, p.Leu1047Ter (NM_001318832.2); c.3110T>G, p.Leu1037Ter (NM_001363528.2, NM_001370405.1, NM_021055.3); c.3236T>G, p.Leu1079Ter (NM_001406663.1, NM_001406664.1); and 18 more; short protein forms L1000*, L1017*, L1030*, L1031*, L1032*, L1033*, L1036*, L1037*.
Identifiers: ClinVar variation 3775960 (VCV003775960.2).